The following is an entry in ClinVar:

ClinVar aggregate classification (germline): Uncertain significance (1 of 4 stars; one submission).

gnomAD v4.1: 2 of 1,613,308 alleles (0.00012%); highest among the groups gnomAD compares: Non-Finnish European, 0.00017%; no homozygotes.

Submission:

CeGaT Center for Human Genetics Tuebingen
Classification: Uncertain significance. Last evaluated: 2023-07-01. Review status: criteria provided, single submitter. Criteria: CeGaT Center For Human Genetics Tuebingen Variant Classification Criteria Version 2. Collection method: clinical testing. Allele origin: germline. Affected: yes. Observed: 1 variant allele.
Comment: TTN: PM2

NM_001267550.2(TTN):c.21511T>C (p.Phe7171Leu)

Gene: TTN (titin; minus strand). Cytogenetic location: 2q31.2.
Variant type: single nucleotide variant.
Coding change: c.21511T>C on transcript NM_001267550.2 (MANE Select); coding-DNA position 21511, T replaced by C.
Protein change: p.Phe7171Leu; replaces phenylalanine 7171 with leucine.
Molecular consequence: missense variant. On other transcripts: intron variant (3).
Genome position (GRCh38, 1-based): chr2:178,723,589, A>G on the plus strand (T>C on the coding strand, the complement: TTN is on the minus strand). VCF-style: chr2-178723589-A-G. GRCh37 (hg19) VCF-style: chr2-179588316-A-G.
Other names: c.20560T>C, p.Phe6854Leu (NM_001256850.1); c.17779T>C, p.Phe5927Leu (NM_133378.4); c.13282+14493T>C (NM_003319.4); c.13858+14493T>C (NM_133437.4); c.13657+14493T>C (NM_133432.3); short protein forms F5927L, F6854L, F7171L.
Identifiers: ClinVar variation 2651686 (VCV002651686.24), dbSNP rs750008949, ClinGen allele CA349534212.